The following is an entry in ClinVar:

NM_030973.4(MED25):c.1419C>T (p.Phe473=)

Gene: MED25 (mediator complex subunit 25; plus strand). Cytogenetic location: 19q13.33.
Variant type: single nucleotide variant.
Coding change: c.1419C>T on transcript NM_030973.4 (MANE Select); coding-DNA position 1419, C replaced by T.
Protein change: p.Phe473=; no amino-acid change (phenylalanine 473 retained).
Molecular consequence: synonymous variant.
Genome position (GRCh38, 1-based): chr19:49,832,352, C>T. VCF-style: chr19-49832352-C-T. GRCh37 (hg19) VCF-style: chr19-50335609-C-T.
Other names: c.1419C>T, p.Phe473= (NM_001378355.1).
Identifiers: ClinVar variation 5039459 (VCV005039459.1).

ClinVar aggregate classification (germline): Likely benign (1 of 4 stars; one submission).

gnomAD v4.1: 7 of 1,611,324 alleles (0.00043%); highest among the groups gnomAD compares: South Asian, 0.0011%; no homozygotes.

Submission:

CeGaT Center for Human Genetics Tuebingen
Classification: Likely benign. Last evaluated: 2026-08-01. Review status: criteria provided, single submitter. Criteria: CeGaT Center For Human Genetics Tuebingen Variant Classification Criteria Version 2. Collection method: clinical testing. Allele origin: germline. Affected: yes. Observed: 1 variant allele.
Comment: MED25: BP4, BP7